The following is an entry in ClinVar:

ClinVar aggregate classification (germline): Likely pathogenic (1 of 4 stars; one submission).

Conditions:
Dyskeratosis congenita, autosomal recessive 6 (DKCB6). Identifiers: MedGen C4225356, MONDO:0014600, OMIM 616353.
Pulmonary fibrosis and/or bone marrow failure, Telomere-related, 4. Also called: PULMONARY FIBROSIS AND/OR BONE MARROW FAILURE SYNDROME, TELOMERE-RELATED, 4. Identifiers: Orphanet 2032, MedGen C4225347, MONDO:0014612, OMIM 616371.

Allele frequency attached by ClinVar (database versions not stated): gnomAD 0.00001; TOPMed 0.00001.

Submission:

Labcorp Genetics (formerly Invitae), Labcorp
Classification: Likely pathogenic for Dyskeratosis congenita, autosomal recessive 6; Pulmonary fibrosis and/or bone marrow failure, Telomere-related, 4. Last evaluated: 2023-03-29. Review status: criteria provided, single submitter. Criteria: Invitae Variant Classification Sherloc (09022015). Collection method: clinical testing. Allele origin: germline.
Comment: In summary, the currently available evidence indicates that the variant is pathogenic, but additional data are needed to prove that conclusively. Therefore, this variant has been classified as Likely Pathogenic. Algorithms developed to predict the effect of sequence changes on RNA splicing suggest that this variant may disrupt the consensus splice site. This variant has not been reported in the literature in individuals affected with PARN-related conditions. This variant is not present in population databases (gnomAD no frequency). This sequence change affects an acceptor splice site in intron 22 of the PARN gene. It is expected to disrupt RNA splicing. Variants that disrupt the donor or acceptor splice site typically lead to a loss of protein function (PMID: 16199547), and loss-of-function variants in PARN are known to be pathogenic (PMID: 9736620, 25848748, 26810774).

Literature cited by the submitters: PubMed 16199547; PubMed 9736620; PubMed 25848748; PubMed 26810774.

NM_002582.4(PARN):c.1671-1G>T

Gene: PARN (poly(A)-specific ribonuclease; minus strand). Cytogenetic location: 16p13.12.
Variant type: single nucleotide variant.
Coding change: c.1671-1G>T on transcript NM_002582.4 (MANE Select); the canonical splice acceptor site of the intron before coding-DNA position 1671, G replaced by T.
Molecular consequence: splice acceptor variant.
Genome position (GRCh38, 1-based): chr16:14,447,082, C>A on the plus strand (G>T on the coding strand, the complement: PARN is on the minus strand). VCF-style: chr16-14447082-C-A. GRCh37 (hg19) VCF-style: chr16-14540939-C-A.
Other names: c.1488-1G>T (NM_001134477.3); c.1533-1G>T (NM_001242992.2).
Identifiers: ClinVar variation 2945941 (VCV002945941.3), dbSNP rs1271398801, ClinGen allele CA395184629.